The following is an entry in ClinVar:

ClinVar aggregate classification (germline): Uncertain significance (1 of 4 stars; one submission).

gnomAD v4.1: 8 of 1,610,534 alleles (0.0005%); highest among the groups gnomAD compares: African/African-American, 0.0013%; no homozygotes.

Submission:

CeGaT Center for Human Genetics Tuebingen
Classification: Uncertain significance. Last evaluated: 2026-04-01. Review status: criteria provided, single submitter. Criteria: CeGaT Center For Human Genetics Tuebingen Variant Classification Criteria Version 2. Collection method: clinical testing. Allele origin: germline. Affected: yes. Observed: 1 variant allele.
Comment: COL17A1: PM2

NM_000494.4(COL17A1):c.2485A>G (p.Met829Val)

Gene: COL17A1 (collagen type XVII alpha 1 chain; minus strand). Cytogenetic location: 10q25.1.
Variant type: single nucleotide variant.
Coding change: c.2485A>G on transcript NM_000494.4 (MANE Select); coding-DNA position 2485, A replaced by G.
Protein change: p.Met829Val; replaces methionine 829 with valine.
Molecular consequence: missense variant.
Genome position (GRCh38, 1-based): chr10:104,043,531, T>C on the plus strand (A>G on the coding strand, the complement: COL17A1 is on the minus strand). VCF-style: chr10-104043531-T-C. GRCh37 (hg19) VCF-style: chr10-105803289-T-C.
Other names: short protein forms M829V.
Identifiers: ClinVar variation 4874680 (VCV004874680.2).